The following is an entry in ClinVar:

ClinVar aggregate classification (germline): Uncertain significance (1 of 4 stars; one submission).

Conditions:
FG syndrome (FGS). Identifiers: MedGen C0220769, MONDO:0002010.

Allele frequency attached by ClinVar (database versions not stated): TOPMed 0.00001; ESP Exome Variant Server 0.00010.
gnomAD v4.1: 2 of 1,186,718 alleles (0.00017%); highest among the groups gnomAD compares: South Asian, 0.0018%; no homozygotes.

Submission:

Labcorp Genetics (formerly Invitae), Labcorp
Classification: Uncertain significance for FG syndrome. Last evaluated: 2023-11-27. Review status: criteria provided, single submitter. Criteria: Invitae Variant Classification Sherloc (09022015). Collection method: clinical testing. Allele origin: germline.
Comment: This sequence change falls in intron 12 of the MED12 gene. It does not directly change the encoded amino acid sequence of the MED12 protein. It affects a nucleotide within the consensus splice site. This variant is not present in population databases (gnomAD no frequency). This variant has not been reported in the literature in individuals affected with MED12-related conditions. ClinVar contains an entry for this variant (Variation ID: 408882). Variants that disrupt the consensus splice site are a relatively common cause of aberrant splicing (PMID: 17576681, 9536098). Algorithms developed to predict the effect of sequence changes on RNA splicing suggest that this variant may disrupt the consensus splice site. In summary, the available evidence is currently insufficient to determine the role of this variant in disease. Therefore, it has been classified as a Variant of Uncertain Significance.

Literature cited by the submitters: PubMed 17576681; PubMed 9536098.

NM_005120.3(MED12):c.1744+5G>A

Genes: MED12 (mediator complex subunit 12; plus strand), LOC126863275 (BRD4-independent group 4 enhancer GRCh37_chrX:70342400-70343599; plus strand). Cytogenetic location: Xq13.1.
Variant type: single nucleotide variant.
Coding change: c.1744+5G>A on transcript NM_005120.3 (MANE Select); 5 bases into the intron after coding-DNA position 1744, G replaced by A.
Molecular consequence: intron variant.
Genome position (GRCh38, 1-based): chrX:71,123,725, G>A. VCF-style: chrX-71123725-G-A. GRCh37 (hg19) VCF-style: chrX-70343575-G-A.
Identifiers: ClinVar variation 408882 (VCV000408882.9), dbSNP rs368353373, ClinGen allele CA16616699.